The following is an entry in ClinVar:

ClinVar aggregate classification (germline): Uncertain significance. Review status: criteria provided, multiple submitters, no conflicts (2 of 4 stars). 2 submissions from 2 submitters: Uncertain significance (2). Last evaluated 2025-11-03.

Conditions:
Inborn genetic diseases. Identifiers: MedGen C0950123, MeSH D030342.

Allele frequency attached by ClinVar (database versions not stated): TOPMed 0.00001; gnomAD 0.00002; ExAC 0.00003; gnomAD exomes 0.00001.

Submissions (2):

Ambry Genetics
Classification: Uncertain significance for Inborn genetic diseases. Last evaluated: 2025-11-03. Review status: criteria provided, single submitter. Criteria: Ambry Variant Classification Scheme 2023. Collection method: clinical testing. Allele origin: germline.

Labcorp Genetics (formerly Invitae), Labcorp
Classification: Uncertain significance. Last evaluated: 2025-09-13. Review status: criteria provided, single submitter. Criteria: Invitae Variant Classification Sherloc (09022015). Collection method: clinical testing. Allele origin: germline.
Comment: This sequence change replaces threonine, which is neutral and polar, with isoleucine, which is neutral and non-polar, at codon 2226 of the DCHS1 protein (p.Thr2226Ile). This variant is present in population databases (rs770591406, gnomAD 0.006%). This variant has not been reported in the literature in individuals affected with DCHS1-related conditions. ClinVar contains an entry for this variant (Variation ID: 2993556). Invitae Evidence Modeling of protein sequence and biophysical properties (such as structural, functional, and spatial information, amino acid conservation, physicochemical variation, residue mobility, and thermodynamic stability) indicates that this missense variant is not expected to disrupt DCHS1 protein function with a negative predictive value of 80%. In summary, the available evidence is currently insufficient to determine the role of this variant in disease. Therefore, it has been classified as a Variant of Uncertain Significance.

NM_003737.4(DCHS1):c.6677C>T (p.Thr2226Ile)

Gene: DCHS1 (dachsous cadherin-related 1; minus strand). Cytogenetic location: 11p15.4.
Variant type: single nucleotide variant.
Coding change: c.6677C>T on transcript NM_003737.4 (MANE Select); coding-DNA position 6677, C replaced by T.
Protein change: p.Thr2226Ile; replaces threonine 2226 with isoleucine.
Molecular consequence: missense variant.
Genome position (GRCh38, 1-based): chr11:6,625,974, G>A on the plus strand (C>T on the coding strand, the complement: DCHS1 is on the minus strand). VCF-style: chr11-6625974-G-A. GRCh37 (hg19) VCF-style: chr11-6647205-G-A.
Other names: c.6677C>T (NM_003737.2); short protein forms T2226I.
Identifiers: ClinVar variation 2993556 (VCV002993556.4), dbSNP rs770591406, ClinGen allele CA5859804.